The following is an entry in ClinVar:

ClinVar aggregate classification (germline): Uncertain significance (1 of 4 stars; one submission).

Submission:

Labcorp Genetics (formerly Invitae), Labcorp
Classification: Uncertain significance. Last evaluated: 2025-12-15. Review status: criteria provided, single submitter. Criteria: Invitae Variant Classification Sherloc (09022015). Collection method: clinical testing. Allele origin: germline.
Comment: This sequence change replaces proline, which is neutral and non-polar, with serine, which is neutral and polar, at codon 1073 of the SRCAP protein (p.Pro1073Ser). This variant is not present in population databases (gnomAD no frequency). This variant has not been reported in the literature in individuals affected with SRCAP-related conditions. Invitae Evidence Modeling of protein sequence and biophysical properties (such as structural, functional, and spatial information, amino acid conservation, physicochemical variation, residue mobility, and thermodynamic stability) indicates that this missense variant is not expected to disrupt SRCAP protein function with a negative predictive value of 80%. In summary, the available evidence is currently insufficient to determine the role of this variant in disease. Therefore, it has been classified as a Variant of Uncertain Significance.

NM_006662.3(SRCAP):c.3217C>T (p.Pro1073Ser)

Gene: SRCAP (Snf2 related CREBBP activator protein; plus strand). Cytogenetic location: 16p11.2.
Variant type: single nucleotide variant.
Coding change: c.3217C>T on transcript NM_006662.3 (MANE Select); coding-DNA position 3217, C replaced by T.
Protein change: p.Pro1073Ser; replaces proline 1073 with serine.
Molecular consequence: missense variant.
Genome position (GRCh38, 1-based): chr16:30,720,942, C>T. VCF-style: chr16-30720942-C-T. GRCh37 (hg19) VCF-style: chr16-30732263-C-T.
Other names: short protein forms P1073S.
Identifiers: ClinVar variation 4763502 (VCV004763502.1).